The following is an entry in ClinVar:

NM_003036.4(SKI):c.687G>A (p.Lys229=)

Gene: SKI (SKI proto-oncogene; plus strand). Cytogenetic location: 1p36.33.
Variant type: single nucleotide variant.
Coding change: c.687G>A on transcript NM_003036.4 (MANE Select); coding-DNA position 687, G replaced by A.
Protein change: p.Lys229=; no amino-acid change (lysine 229 retained).
Molecular consequence: synonymous variant.
Genome position (GRCh38, 1-based): chr1:2,229,453, G>A. VCF-style: chr1-2229453-G-A. GRCh37 (hg19) VCF-style: chr1-2160892-G-A.
Identifiers: ClinVar variation 513790 (VCV000513790.1), dbSNP rs750391739, ClinGen allele CA10711788.

ClinVar aggregate classification (germline): Likely benign (1 of 4 stars; one submission).

Submission:

GeneDx
Classification: Likely benign. Last evaluated: 2017-12-05. Review status: criteria provided, single submitter. Criteria: GeneDx Variant Classification (06012015). Collection method: clinical testing. Allele origin: germline. Affected: yes.
Comment: This variant is considered likely benign or benign based on one or more of the following criteria: it is a conservative change, it occurs at a poorly conserved position in the protein, it is predicted to be benign by multiple in silico algorithms, and/or has population frequency not consistent with disease.